The following is an entry in ClinVar:

NM_005530.3(IDH3A):c.1017+5C>G

Gene: IDH3A (isocitrate dehydrogenase (NAD(+)) 3 catalytic subunit alpha; plus strand). Cytogenetic location: 15q25.1.
Variant type: single nucleotide variant.
Coding change: c.1017+5C>G on transcript NM_005530.3 (MANE Select); 5 bases into the intron after coding-DNA position 1017, C replaced by G.
Molecular consequence: intron variant.
Genome position (GRCh38, 1-based): chr15:78,166,307, C>G. VCF-style: chr15-78166307-C-G. GRCh37 (hg19) VCF-style: chr15-78458649-C-G.
Identifiers: ClinVar variation 2020004 (VCV002020004.4), dbSNP rs2074742339, ClinGen allele CA2189393425.
Genomic context (GRCh38, chr15:78,166,307, plus strand): 5'-TTGACCATGCTGCAAGAATTGAGGCTGCGTGTTTTGCTACAATTAAGGACGGAAAGGTAA[C>G]AGGAATCTTGATTTACTTGTGCTGGGTAAAATGCATTGCTTCCATGTGTTTTATCTGAGT-3'

ClinVar aggregate classification (germline): Uncertain significance (1 of 4 stars; one submission).

Allele frequency attached by ClinVar (database versions not stated): TOPMed 0.00001.
gnomAD v4.1: 1 of 1,613,896 alleles (0.000062%); highest among the groups gnomAD compares: African/African-American, 0.0013%; no homozygotes.

Submission:

Labcorp Genetics (formerly Invitae), Labcorp
Classification: Uncertain significance. Last evaluated: 2022-09-27. Review status: criteria provided, single submitter. Criteria: Invitae Variant Classification Sherloc (09022015). Collection method: clinical testing. Allele origin: germline.
Comment: This sequence change falls in intron 10 of the IDH3A gene. It does not directly change the encoded amino acid sequence of the IDH3A protein. It affects a nucleotide within the consensus splice site. This variant is not present in population databases (gnomAD no frequency). In summary, the available evidence is currently insufficient to determine the role of this variant in disease. Therefore, it has been classified as a Variant of Uncertain Significance. Variants that disrupt the consensus splice site are a relatively common cause of aberrant splicing (PMID: 17576681, 9536098). Algorithms developed to predict the effect of sequence changes on RNA splicing suggest that this variant is not likely to affect RNA splicing. This variant has not been reported in the literature in individuals affected with IDH3A-related conditions.

Literature cited by the submitters: PubMed 17576681; PubMed 9536098.